The following is an entry in ClinVar:

ClinVar aggregate classification (germline): Uncertain significance (1 of 4 stars; one submission).

Allele frequency attached by ClinVar (database versions not stated): ExAC 0.00001; gnomAD 0.00001; TOPMed 0.00006.

Submission:

Labcorp Genetics (formerly Invitae), Labcorp
Classification: Uncertain significance. Last evaluated: 2022-05-10. Review status: criteria provided, single submitter. Criteria: Invitae Variant Classification Sherloc (09022015). Collection method: clinical testing. Allele origin: germline.
Comment: In summary, the available evidence is currently insufficient to determine the role of this variant in disease. Therefore, it has been classified as a Variant of Uncertain Significance. Algorithms developed to predict the effect of missense changes on protein structure and function are either unavailable or do not agree on the potential impact of this missense change (SIFT: "Not Available"; PolyPhen-2: "Benign"; Align-GVGD: "Not Available"). This variant has not been reported in the literature in individuals affected with CA4-related conditions. The frequency data for this variant in the population databases is considered unreliable, as metrics indicate poor data quality at this position in the gnomAD database. This sequence change replaces glutamic acid, which is acidic and polar, with lysine, which is basic and polar, at codon 261 of the CA4 protein (p.Glu261Lys).

NM_000717.5(CA4):c.781G>A (p.Glu261Lys)

Gene: CA4 (carbonic anhydrase 4; plus strand). Cytogenetic location: 17q23.1.
Variant type: single nucleotide variant.
Coding change: c.781G>A on transcript NM_000717.5 (MANE Select); coding-DNA position 781, G replaced by A.
Protein change: p.Glu261Lys; replaces glutamic acid 261 with lysine.
Molecular consequence: missense variant. On other transcripts: non-coding transcript variant (1).
Genome position (GRCh38, 1-based): chr17:60,159,266, G>A. VCF-style: chr17-60159266-G-A. GRCh37 (hg19) VCF-style: chr17-58236627-G-A.
Other names: short protein forms E261K.
Identifiers: ClinVar variation 1953584 (VCV001953584.5), dbSNP rs747477911, ClinGen allele CA8685536.
Genomic context (GRCh38, chr17:60,159,266, plus strand): 5'-TGCTGAGCCCCATCACTTCCGCAGATCCTGGCATTCTCTCAGAAGCTGTACTACGACAAG[G>A]AACAGACAGTGAGCATGAAGGACAATGTCAGGCCCCTGCAGCAGCTGGGGCAGCGCACGG-3'
Protein context (NP_000708.1, residues 251-271): AFSQKLYYDK[Glu261Lys]QTVSMKDNVR